The following is an entry in ClinVar:

NM_001379081.2(FREM1):c.4000C>T (p.Pro1334Ser)

Gene: FREM1 (FRAS1 related extracellular matrix 1; minus strand). Cytogenetic location: 9p22.3.
Variant type: single nucleotide variant.
Coding change: c.4000C>T on transcript NM_001379081.2 (MANE Select); coding-DNA position 4000, C replaced by T.
Protein change: p.Pro1334Ser; replaces proline 1334 with serine.
Molecular consequence: missense variant. On other transcripts: non-coding transcript variant (1).
Genome position (GRCh38, 1-based): chr9:14,789,096, G>A on the plus strand (C>T on the coding strand, the complement: FREM1 is on the minus strand). VCF-style: chr9-14789096-G-A. GRCh37 (hg19) VCF-style: chr9-14789094-G-A.
Other names: c.4000C>T, p.Pro1334Ser (NM_144966.7); short protein forms P1334S.
Identifiers: ClinVar variation 3389659 (VCV003389659.14).

ClinVar aggregate classification (germline): Uncertain significance (1 of 4 stars; one submission).

Submission:

CeGaT Center for Human Genetics Tuebingen
Classification: Uncertain significance. Last evaluated: 2024-09-01. Review status: criteria provided, single submitter. Criteria: CeGaT Center For Human Genetics Tuebingen Variant Classification Criteria Version 2. Collection method: clinical testing. Allele origin: germline. Affected: yes. Observed: 1 variant allele.
Comment: FREM1: PM2, BP4